The following is an entry in ClinVar:

NM_022765.4(MICAL1):c.76G>C (p.Val26Leu)

Gene: MICAL1 (microtubule associated monooxygenase, calponin and LIM domain containing 1; minus strand). Cytogenetic location: 6q21.
Variant type: single nucleotide variant.
Coding change: c.76G>C on transcript NM_022765.4 (MANE Select); coding-DNA position 76, G replaced by C.
Protein change: p.Val26Leu; replaces valine 26 with leucine.
Molecular consequence: missense variant.
Genome position (GRCh38, 1-based): chr6:109,454,121, C>G on the plus strand (G>C on the coding strand, the complement: MICAL1 is on the minus strand). VCF-style: chr6-109454121-C-G. GRCh37 (hg19) VCF-style: chr6-109775324-C-G.
Other names: c.76G>C, p.Val26Leu (NM_001159291.2); c.133G>C, p.Val45Leu (NM_001286613.2); short protein forms V26L, V45L.
Identifiers: ClinVar variation 2103413 (VCV002103413.4), dbSNP rs144928591, ClinGen allele CA365234203.

ClinVar aggregate classification (germline): Uncertain significance (1 of 4 stars; one submission).

Submission:

Labcorp Genetics (formerly Invitae), Labcorp
Classification: Uncertain significance. Last evaluated: 2022-03-15. Review status: criteria provided, single submitter. Criteria: Invitae Variant Classification Sherloc (09022015). Collection method: clinical testing. Allele origin: germline.
Comment: Algorithms developed to predict the effect of missense changes on protein structure and function are either unavailable or do not agree on the potential impact of this missense change (SIFT: "Tolerated"; PolyPhen-2: "Possibly Damaging"; Align-GVGD: "Class C0"). In summary, the available evidence is currently insufficient to determine the role of this variant in disease. Therefore, it has been classified as a Variant of Uncertain Significance. This variant has not been reported in the literature in individuals affected with MICAL1-related conditions. This variant is not present in population databases (gnomAD no frequency). This sequence change replaces valine, which is neutral and non-polar, with leucine, which is neutral and non-polar, at codon 45 of the MICAL1 protein (p.Val45Leu).